The following is an entry in ClinVar:

ClinVar aggregate classification (germline): Pathogenic/Likely pathogenic. Review status: criteria provided, multiple submitters, no conflicts (2 of 4 stars). 2 submissions from 2 submitters: Pathogenic (1); Likely pathogenic (1). Last evaluated 2025-12-03.

Conditions:
Cardiovascular phenotype. Identifiers: MedGen CN230736.
Amyloidosis, hereditary systemic 1 (AMYLD1). Also called: Familial amyloid polyneuropathy; Transthyretin Amyloidosis; Amyloid Cardiomyopathy, Transthyretin-related; Hereditary oculoleptomeningeal amyloid angiopathy; Familial Transthyretin Amyloidosis; AMYLOID CARDIOMYOPATHY. Identifiers: Orphanet 85447, Orphanet 85451, MedGen C2751492, MONDO:0971004, OMIM 105210.

Submissions (2):

Ambry Genetics
Classification: Likely pathogenic for Cardiovascular phenotype. Last evaluated: 2025-12-03. Review status: criteria provided, single submitter. Criteria: Ambry Variant Classification Scheme 2023. Collection method: clinical testing. Allele origin: germline.
Comment: The p.V52A variant (also known as c.155T>C and V32A), located in coding exon 2 of the TTR gene, results from a T to C substitution at nucleotide position 155. The valine at codon 52 is replaced by alanine, an amino acid with similar properties. This alteration has been reported in an individual with confirmed amyloid polyneuropathy and in additional polyneuropathy cases (Pica EC et al. Muscle Nerve, 2005 Aug;32:223-5; Kaplan B et al. Clin. Chem. Lab. Med., 2007;45:625-8; Luigetti M et al. Brain Sci, 2020 Oct;10:[Epub ahead of print]; Moshe-Lilie O et al. Amyloid, 2020 Dec;27:250-253). Note, this variant is also referred to as p.V32A in the literature. A different variant at this same amino acid position, p.V52G, has also been reported in a family with amyloid neuropathy (Plant&eacute;-Bordeneuve V et al. J. Med. Genet., 2003 Nov;40:e120). Based on internal structural assessment, this alteration destabilizes the structure of TTR (Ambry internal data; Zanotti G et al. Eur. J. Biochem., 1995 Dec;234:563-9). This amino acid position is highly conserved in available vertebrate species. In addition, this alteration is predicted to be deleterious by in silico analysis. This variant is considered to be rare based on population cohorts in the Genome Aggregation Database (gnomAD). Based on the majority of available evidence to date, this variant is likely to be pathogenic.

Labcorp Genetics (formerly Invitae), Labcorp
Classification: Pathogenic for Amyloidosis, hereditary systemic 1. Last evaluated: 2024-07-01. Review status: criteria provided, single submitter. Criteria: Invitae Variant Classification Sherloc (09022015). Collection method: clinical testing. Allele origin: germline.
Comment: This sequence change replaces valine, which is neutral and non-polar, with alanine, which is neutral and non-polar, at codon 52 of the TTR protein (p.Val52Ala). This variant is not present in population databases (gnomAD no frequency). This missense change has been observed in individual(s) with hereditary transthyretin-mediated amyloidosis (hATTR amyloidosis) (PMID: 15793844, 17484624, 24101130, 29524093, 30685801). This variant is also known as p.Val32Ala. ClinVar contains an entry for this variant (Variation ID: 944589). Advanced modeling of protein sequence and biophysical properties (such as structural, functional, and spatial information, amino acid conservation, physicochemical variation, residue mobility, and thermodynamic stability) performed at Invitae indicates that this missense variant is expected to disrupt TTR protein function with a positive predictive value of 95%. This variant disrupts the p.Val52 amino acid residue in TTR. Other variant(s) that disrupt this residue have been observed in individuals with TTR-related conditions (PMID: 14627687), which suggests that this may be a clinically significant amino acid residue. For these reasons, this variant has been classified as Pathogenic.

Literature cited by the submitters: PubMed 14627687 (cited by Ambry Genetics and Labcorp Genetics (formerly Invitae), Labcorp); PubMed 15793844 (cited by Ambry Genetics and Labcorp Genetics (formerly Invitae), Labcorp); PubMed 17484624 (cited by Ambry Genetics and Labcorp Genetics (formerly Invitae), Labcorp); PubMed 19467548 (cited by Ambry Genetics); PubMed 20937937 (cited by Ambry Genetics); PubMed 23240369 (cited by Ambry Genetics); PubMed 24101130 (cited by Ambry Genetics and Labcorp Genetics (formerly Invitae), Labcorp); PubMed 26656838 (cited by Ambry Genetics); PubMed 29524093 (cited by Ambry Genetics and Labcorp Genetics (formerly Invitae), Labcorp); PubMed 30685801 (cited by Ambry Genetics and Labcorp Genetics (formerly Invitae), Labcorp); PubMed 32578459 (cited by Ambry Genetics); PubMed 33114611 (cited by Ambry Genetics); PubMed 8536704 (cited by Ambry Genetics).

NM_000371.4(TTR):c.155T>C (p.Val52Ala)

Gene: TTR (transthyretin; plus strand). Cytogenetic location: 18q12.1.
Variant type: single nucleotide variant.
Coding change: c.155T>C on transcript NM_000371.4 (MANE Select); coding-DNA position 155, T replaced by C.
Protein change: p.Val52Ala; replaces valine 52 with alanine.
Molecular consequence: missense variant.
Genome position (GRCh38, 1-based): chr18:31,592,981, T>C. VCF-style: chr18-31592981-T-C. GRCh37 (hg19) VCF-style: chr18-29172944-T-C.
Other names: short protein forms V52A.
Identifiers: ClinVar variation 944589 (VCV000944589.11), dbSNP rs2073493951, ClinGen allele CA402156773.
Genomic context (GRCh38, chr18:31,592,981, plus strand): 5'-TGATGGTCAAAGTTCTAGATGCTGTCCGAGGCAGTCCTGCCATCAATGTGGCCGTGCATG[T>C]GTTCAGAAAGGCTGCTGATGACACCTGGGAGCCATTTGCCTCTGGGTAAGTTGCCAAAGA-3'
Protein context (NP_000362.1, residues 42-62): GSPAINVAVH[Val52Ala]FRKAADDTWE